The following is an entry in ClinVar:

ClinVar aggregate classification (germline): Uncertain significance (1 of 4 stars; one submission).

Conditions:
Hereditary sensory and autonomic neuropathy type 6. Also called: Neuropathy, hereditary sensory and autonomic, type VI; HSAN VI. Identifiers: Orphanet 314381, MedGen C3539003, MONDO:0013839, OMIM 614653.
Epidermolysis bullosa simplex 3, localized or generalized intermediate, with BP230 deficiency (EBS3). Also called: Epidermolysis bullosa simplex due to BP230 deficiency; Epidermolysis bullosa simplex, autosomal recessive 2. Identifiers: Orphanet 412181, MedGen C3809470, MONDO:0014180, OMIM 615425.

Allele frequency attached by ClinVar (database versions not stated): TOPMed 0.00002.

Submission:

Labcorp Genetics (formerly Invitae), Labcorp
Classification: Uncertain significance for Epidermolysis bullosa simplex 3, localized or generalized intermediate, with BP230 deficiency; Hereditary sensory and autonomic neuropathy type 6. Last evaluated: 2021-12-11. Review status: criteria provided, single submitter. Criteria: Invitae Variant Classification Sherloc (09022015). Collection method: clinical testing. Allele origin: germline.
Comment: Algorithms developed to predict the effect of missense changes on protein structure and function (SIFT, PolyPhen-2, Align-GVGD) all suggest that this variant is likely to be tolerated. In summary, the available evidence is currently insufficient to determine the role of this variant in disease. Therefore, it has been classified as a Variant of Uncertain Significance. This variant has not been reported in the literature in individuals affected with DST-related conditions. This variant is not present in population databases (gnomAD no frequency). This sequence change replaces glycine, which is neutral and non-polar, with arginine, which is basic and polar, at codon 1901 of the DST protein (p.Gly1901Arg).

NM_001723.7(DST):c.5701G>A (p.Gly1901Arg)

Gene: DST (dystonin; minus strand). Cytogenetic location: 6p12.1.
Variant type: single nucleotide variant.
Coding change: c.5701G>A on transcript NM_001723.7 (MANE Plus Clinical); coding-DNA position 5701, G replaced by A.
Protein change: p.Gly1901Arg; replaces glycine 1901 with arginine.
Molecular consequence: missense variant. On other transcripts: intron variant (10).
Genome position (GRCh38, 1-based): chr6:56,618,333, C>T on the plus strand (G>A on the coding strand, the complement: DST is on the minus strand). VCF-style: chr6-56618333-C-T. GRCh37 (hg19) VCF-style: chr6-56483131-C-T.
Other names: c.4831-3849G>A (NM_001144769.5); c.4930-3849G>A (NM_001374722.1, NM_001374736.1); c.4957-3849G>A (NM_001374734.1); c.4417-3849G>A (NM_001144770.2); c.4297-3849G>A (NM_001374730.1, NM_001386100.1, NM_183380.4 and 1 more transcripts); c.3319-3849G>A (NM_015548.5); short protein forms G1901R.
Identifiers: ClinVar variation 1947695 (VCV001947695.5), dbSNP rs951185530, ClinGen allele CA139208836.